The following is an entry in ClinVar:

ClinVar aggregate classification (germline): Likely pathogenic (1 of 4 stars; one submission).

Submission:

Mayo Clinic Laboratories, Mayo Clinic
Classification: Likely pathogenic. Last evaluated: 2023-08-09. Review status: criteria provided, single submitter. Criteria: ACMG Guidelines, 2015. Collection method: clinical testing. Allele origin: germline. Observed: 1 variant allele.
Comment: PM2, PVS1

Literature cited by the submitters: PubMed 30523160; PubMed 36113475.

NM_001283009.2(RTEL1):c.3420C>G (p.Tyr1140Ter)

Genes: RTEL1 (regulator of telomere elongation helicase 1; plus strand), RTEL1-TNFRSF6B (RTEL1-TNFRSF6B readthrough (NMD candidate); plus strand). Cytogenetic location: 20q13.33.
Variant type: single nucleotide variant.
Coding change: c.3420C>G on transcript NM_001283009.2 (MANE Select); coding-DNA position 3420, C replaced by G.
Protein change: p.Tyr1140Ter; replaces tyrosine 1140 with a stop codon.
Molecular consequence: nonsense. On other transcripts: non-coding transcript variant (1).
Genome position (GRCh38, 1-based): chr20:63,695,142, C>G. VCF-style: chr20-63695142-C-G. GRCh37 (hg19) VCF-style: chr20-62326495-C-G.
Other names: p.Tyr1164*; c.2751C>G, p.Tyr917Ter (NM_001283010.1); c.3420C>G, p.Tyr1140Ter (NM_016434.4); c.3492C>G, p.Tyr1164Ter (NM_032957.5); short protein forms Y1140*, Y1164*, Y917*.
Identifiers: ClinVar variation 3380917 (VCV003380917.1).